The following is an entry in ClinVar:

ClinVar aggregate classification (germline): Likely benign. Review status: criteria provided, multiple submitters, no conflicts (2 of 4 stars). 2 submissions from 2 submitters: Likely benign (2). Last evaluated 2026-04-07.

Conditions:
ARL2-related condition.

gnomAD v4.1: 15 of 1,609,294 alleles (0.00093%); highest among the groups gnomAD compares: Admixed American, 0.014%; no homozygotes.

Submissions (2):

PreventionGenetics, part of Exact Sciences
Classification: Likely benign for ARL2-related condition. Last evaluated: 2026-04-07. Review status: criteria provided, single submitter. Criteria: ACMG Guidelines, 2015. Collection method: clinical testing. Allele origin: germline.
Comment: This variant is classified as likely benign based on ACMG/AMP sequence variant interpretation guidelines (Richards et al. 2015 PMID: 25741868, with internal and published modifications).

Blueprint Genetics
Classification: Likely benign. Last evaluated: 2024-09-12. Review status: criteria provided, single submitter. Criteria: ACMG Guidelines, 2015. Collection method: clinical testing. Allele origin: germline.

NM_001667.4(ARL2):c.108C>T (p.Phe36=)

Genes: ARL2-SNX15 (ARL2-SNX15 readthrough (NMD candidate); plus strand), ARL2 (ARF like GTPase 2; plus strand). Cytogenetic location: 11q13.1.
Variant type: single nucleotide variant.
Coding change: c.108C>T on transcript NM_001667.4 (MANE Select); coding-DNA position 108, C replaced by T.
Protein change: p.Phe36=; no amino-acid change (phenylalanine 36 retained).
Molecular consequence: synonymous variant. On other transcripts: non-coding transcript variant (1).
Genome position (GRCh38, 1-based): chr11:65,018,406, C>T. VCF-style: chr11-65018406-C-T. GRCh37 (hg19) VCF-style: chr11-64785878-C-T.
Other names: c.108C>T (NM_001667.3); c.108C>T, p.Phe36= (NM_001199745.2).
Identifiers: ClinVar variation 4912225 (VCV004912225.2).
Genomic context (GRCh38, chr11:65,018,406, plus strand): 5'-TAACCTGCTGCGCCCCAGTGGCCTGGACAATGCTGGAAAGACAACCATCCTGAAGAAGTT[C>T]AATGGGGAGGACATCGACACCATCTCCCCAACGCTGGGCTTCAACATCAAGACCCTGGAG-3'
Protein context (NP_001658.2, residues 26-46): NAGKTTILKK[Phe36=]NGEDIDTISP